The following is an entry in ClinVar:

NM_000018.4(ACADVL):c.1217A>C (p.Gln406Pro)

Gene: ACADVL (acyl-CoA dehydrogenase very long chain; plus strand). Cytogenetic location: 17p13.1.
Variant type: single nucleotide variant.
Coding change: c.1217A>C on transcript NM_000018.4 (MANE Select); coding-DNA position 1217, A replaced by C.
Protein change: p.Gln406Pro; replaces glutamine 406 with proline.
Molecular consequence: missense variant.
Genome position (GRCh38, 1-based): chr17:7,223,678, A>C. VCF-style: chr17-7223678-A-C. GRCh37 (hg19) VCF-style: chr17-7126997-A-C.
Other names: c.1151A>C, p.Gln384Pro (NM_001033859.3); c.1286A>C, p.Gln429Pro (NM_001270447.2); c.989A>C, p.Gln330Pro (NM_001270448.2); short protein forms Q406P, Q384P, Q330P, Q429P.
Identifiers: ClinVar variation 566129 (VCV000566129.9), dbSNP rs1384021857, ClinGen allele CA397724619.

ClinVar aggregate classification (germline): Conflicting classifications of pathogenicity. Review status: criteria provided, conflicting classifications (1 of 4 stars). 3 submissions from 3 submitters: Likely pathogenic (1); Uncertain significance (2). Last evaluated 2023-05-19.

Conditions:
Very long chain acyl-CoA dehydrogenase deficiency (ACADVLD). Also called: VLCAD Deficiency; Very Long-Chain Acyl-Coenzyme A Dehydrogenase Deficiency. Identifiers: Orphanet 26793, MedGen C3887523, MONDO:0008723, OMIM 201475.

Allele frequency attached by ClinVar (database versions not stated): gnomAD exomes below 0.00001; gnomAD 0.00001; TOPMed 0.00001.
gnomAD v4.1: 2 of 1,614,044 alleles (0.00012%); highest among the groups gnomAD compares: Non-Finnish European, 0.00017%; no homozygotes.

Submissions (3):

Women's Health and Genetics/Laboratory Corporation of America, LabCorp
Classification: Likely pathogenic for Very long chain acyl-CoA dehydrogenase deficiency. Last evaluated: 2023-05-19. Review status: criteria provided, single submitter. Criteria: LabCorp Variant Classification Summary - May 2015. Collection method: clinical testing. Allele origin: germline.
Comment: Variant summary: ACADVL c.1217A>C (p.Gln406Pro) results in a non-conservative amino acid change located in the Acyl-CoA dehydrogenase/oxidase C-terminal domain (IPR009075) of the encoded protein sequence. Three of five in-silico tools predict a benign effect of the variant on protein function. The variant was absent in 251484 control chromosomes (gnomAD). c.1217A>C has been reported in the literature in an individual with clinical features of Very Long Chain Acyl-CoA Dehydrogenase Deficiency, however the individual was reported as heterozygous (example: Hesse_2018). This report does not provide unequivocal conclusions about association of the variant with Very Long Chain Acyl-CoA Dehydrogenase Deficiency. At least one publication reports experimental evidence evaluating an impact on protein function. D'Annibale_2022 has demonstrated this variant leads to near absent activity in vitro and authors proposed c.1217A>C, (p.Gln406Pro) be reclassified from VUS to pathogenic/likely pathogenic. The following publications have been ascertained in the context of this evaluation (PMID: 35218577, 30194637). Two clinical diagnostic laboratories have submitted clinical-significance assessments for this variant to ClinVar after 2014 and classified the variant as uncertain significance. Based on the evidence outlined above, the variant was classified as likely pathogenic.

Labcorp Genetics (formerly Invitae), Labcorp
Classification: Uncertain significance for Very long chain acyl-CoA dehydrogenase deficiency. Last evaluated: 2021-09-18. Review status: criteria provided, single submitter. Criteria: Invitae Variant Classification Sherloc (09022015). Collection method: clinical testing. Allele origin: germline.
Comment: This sequence change replaces glutamine with proline at codon 406 of the ACADVL protein (p.Gln406Pro). The glutamine residue is moderately conserved and there is a moderate physicochemical difference between glutamine and proline. This variant is not present in population databases (ExAC no frequency). This missense change has been observed in individual(s) with clinical features of VLCAD deficiency (PMID: 30194637). ClinVar contains an entry for this variant (Variation ID: 566129). Advanced modeling of protein sequence and biophysical properties (such as structural, functional, and spatial information, amino acid conservation, physicochemical variation, residue mobility, and thermodynamic stability) performed at Invitae indicates that this missense variant is expected to disrupt ACADVL protein function. In summary, the available evidence is currently insufficient to determine the role of this variant in disease. Therefore, it has been classified as a Variant of Uncertain Significance.

Wong Mito Lab, Molecular and Human Genetics, Baylor College of Medicine
Classification: Uncertain significance for Very long chain acyl-CoA dehydrogenase deficiency. Last evaluated: 2019-11-01. Review status: criteria provided, single submitter. Criteria: ACMG Guidelines, 2015. Collection method: clinical testing. Allele origin: germline.
Comment: The NM_000018.3:c.1217A>C (NP_000009.1:p.Gln406Pro) [GRCH38: NC_000017.11:g.7223678A>C] variant in ACADVL gene is interpretated to be Uncertain Significance based on ACMG guidelines (PMID: 25741868). This variant has been reported. This variant meets the following evidence codes reported in the ACMG guidelines: BP4

Literature cited by the submitters: PubMed 30194637 (cited by Women's Health and Genetics/Laboratory Corporation of America, LabCorp and Labcorp Genetics (formerly Invitae), Labcorp); PubMed 35218577 (cited by Women's Health and Genetics/Laboratory Corporation of America, LabCorp).